The following is an entry in ClinVar:

ClinVar aggregate classification (germline): Uncertain significance (1 of 4 stars; one submission).

gnomAD v4.1: 1 of 1,211,612 alleles (0.000083%); highest among the groups gnomAD compares: Non-Finnish European, 0.00011%; no homozygotes.

Submission:

GeneDx
Classification: Uncertain significance. Last evaluated: 2024-05-30. Review status: criteria provided, single submitter. Criteria: GeneDx Variant Classification Process June 2021. Collection method: clinical testing. Allele origin: germline. Affected: yes.
Comment: Not observed at significant frequency in large population cohorts (gnomAD); Nonsense variant predicted to result in protein truncation as the last 477 amino acids are lost, although loss-of-function variants have not been reported downstream of this position in the protein; Has not been previously published as pathogenic or benign to our knowledge

NM_152424.4(AMER1):c.1976T>G (p.Leu659Ter)

Gene: AMER1 (APC membrane recruitment protein 1; minus strand). Cytogenetic location: Xq11.2.
Variant type: single nucleotide variant.
Coding change: c.1976T>G on transcript NM_152424.4 (MANE Select); coding-DNA position 1976, T replaced by G.
Protein change: p.Leu659Ter; replaces leucine 659 with a stop codon.
Molecular consequence: nonsense.
Genome position (GRCh38, 1-based): chrX:64,191,311, A>C on the plus strand (T>G on the coding strand, the complement: AMER1 is on the minus strand). VCF-style: chrX-64191311-A-C. GRCh37 (hg19) VCF-style: chrX-63411191-A-C.
Other names: short protein forms L659*.
Identifiers: ClinVar variation 3384441 (VCV003384441.1).